The following is an entry in ClinVar:

NM_007294.4(BRCA1):c.5389dup (p.Ser1797fs)

Gene: BRCA1 (BRCA1 DNA repair associated; minus strand). Cytogenetic location: 17q21.31.
Variant type: Duplication.
Coding change: c.5389dup on transcript NM_007294.4 (MANE Select); coding-DNA position 5389, one base duplicated (T; older notation c.5389dupT).
Protein change: p.Ser1797fs; shifts the reading frame from serine 1797.
Molecular consequence: frameshift variant. On other transcripts: non-coding transcript variant (1), intron variant (1).
Genome position (GRCh38, 1-based): chr17:43,049,138, A duplicated on the plus strand (T on the coding strand, the reverse complement: BRCA1 is on the minus strand). VCF-style (leftmost placement, unchanged base first): chr17-43049137-G-GA. GRCh37 (hg19) VCF-style: chr17-41201154-G-GA.
Other names: 5508dupT; c.5179dup, p.Ser1727Phefs (NM_001407882.1, NM_001407884.1, NM_001407885.1 and 5 more transcripts); c.5176dup, p.Ser1726Phefs (NM_001407894.1, NM_001407895.1, NM_001407896.1 and 12 more transcripts); c.5173dup, p.Ser1725Phefs (NM_001407915.1, NM_001407916.1, NM_001407917.1 and 1 more transcripts); c.5125dup, p.Ser1709Phefs (NM_001407920.1, NM_001407921.1, NM_001407922.1 and 4 more transcripts); c.5122dup, p.Ser1708Phefs (NM_001407927.1, NM_001407928.1, NM_001407929.1 and 4 more transcripts); c.5119dup, p.Ser1707Phefs (NM_001407934.1, NM_001407935.1, NM_001407936.1); c.5056dup, p.Ser1686Phefs (NM_001407946.1, NM_001407947.1, NM_001407948.1 and 1 more transcripts); and 76 more; short protein forms S1750fs, S1797fs, S1818fs, S693fs.
Identifiers: ClinVar variation 266551 (VCV000266551.6), dbSNP rs886040295, ClinGen allele CA10589593.
Genomic context (GRCh38, chr17:43,049,137, plus strand): 5'-AGAATATTGTGTCCTCCCTCTCTGACAGGGCACCCAATACTTACTGTGCCAAGGGTGAAT[G>GA]ATGAAAGCTCCTTCACCACAGAAGCACCACACAGCTGTACCATCCATTCCAGTTGATCTA-3'

ClinVar aggregate classification (germline): Pathogenic. Review status: reviewed by expert panel (3 of 4 stars). 2 submissions from 2 submitters: Pathogenic (1). 1 of the submissions does not count toward it. Last evaluated 2016-10-18.

Conditions:
Breast-ovarian cancer, familial, susceptibility to, 1 (BROVCA1). Also called: BRCA1 Hereditary Breast and Ovarian Cancer; OVARIAN CANCER, SUSCEPTIBILITY TO. Identifiers: Orphanet 145, MedGen C2676676, MONDO:0011450, OMIM 604370. Disease mechanism: loss of function.

Submissions (2):

Evidence-based Network for the Interpretation of Germline Mutant Alleles (ENIGMA)
Classification: Pathogenic for Breast-ovarian cancer, familial, susceptibility to, 1. Last evaluated: 2016-10-18. Review status: reviewed by expert panel. Criteria: ENIGMA BRCA1/2 Classification Criteria (2015). Collection method: curation. Allele origin: germline.
Comment: Variant allele predicted to encode a truncated non-functional protein.

Consortium of Investigators of Modifiers of BRCA1/2 (CIMBA), c/o University of Cambridge
Classification: Pathogenic for Breast-ovarian cancer, familial, susceptibility to, 1. Last evaluated: 2015-10-02. Review status: criteria provided, single submitter. Criteria: CIMBA Mutation Classification guidelines May 2016. Collection method: clinical testing. Allele origin: germline. Not counted in ClinVar's aggregate classification.